The following is an entry in ClinVar:

NM_032242.4(PLXNA1):c.319G>A (p.Gly107Ser)

Gene: PLXNA1 (plexin A1; plus strand). Cytogenetic location: 3q21.3.
Variant type: single nucleotide variant.
Coding change: c.319G>A on transcript NM_032242.4 (MANE Select); coding-DNA position 319, G replaced by A.
Protein change: p.Gly107Ser; replaces glycine 107 with serine.
Molecular consequence: missense variant.
Genome position (GRCh38, 1-based): chr3:126,988,912, G>A. VCF-style: chr3-126988912-G-A. GRCh37 (hg19) VCF-style: chr3-126707755-G-A.
Other names: short protein forms G107S.
Identifiers: ClinVar variation 3037000 (VCV003037000.2), dbSNP rs143094550, ClinGen allele CA2592966.

ClinVar aggregate classification (germline): Likely benign (0 of 4 stars; one submission).

Conditions:
PLXNA1-related disorder. Also called: PLXNA1-related condition.

Allele frequency attached by ClinVar (database versions not stated): gnomAD exomes 0.00006; ExAC 0.00019; 1000 Genomes Project 0.00020; ESP Exome Variant Server 0.00023; gnomAD 0.00038; TOPMed 0.00044; 1000 Genomes Project 30x 0.00062.
gnomAD v4.1: 148 of 1,613,246 alleles (0.0092%); highest among the groups gnomAD compares: African/African-American, 0.11%; 1 homozygote.

Submission:

PreventionGenetics, part of Exact Sciences
Classification: Likely benign for PLXNA1-related condition. Last evaluated: 2023-11-30. Review status: no assertion criteria provided. Collection method: clinical testing. Allele origin: germline.
Comment: This variant is classified as likely benign based on ACMG/AMP sequence variant interpretation guidelines (Richards et al. 2015 PMID: 25741868, with internal and published modifications).